The following is an entry in ClinVar:

ClinVar aggregate classification (germline): Uncertain significance (1 of 4 stars; one submission).

Conditions:
Candidiasis, familial, 9 (CANDF9). Identifiers: Orphanet 1334, MedGen C4225324, MONDO:0014642, OMIM 616445.

gnomAD v4.1: 5 of 1,613,616 alleles (0.00031%); highest among the groups gnomAD compares: Middle Eastern, 0.033%; no homozygotes.

Submission:

Labcorp Genetics (formerly Invitae), Labcorp
Classification: Uncertain significance for Candidiasis, familial, 9. Last evaluated: 2024-10-22. Review status: criteria provided, single submitter. Criteria: Invitae Variant Classification Sherloc (09022015). Collection method: clinical testing. Allele origin: germline.
Comment: This sequence change replaces alanine, which is neutral and non-polar, with threonine, which is neutral and polar, at codon 127 of the IL17RC protein (p.Ala127Thr). This variant is present in population databases (rs766621691, gnomAD 0.0009%). This variant has not been reported in the literature in individuals affected with IL17RC-related conditions. An algorithm developed to predict the effect of missense changes on protein structure and function outputs the following: PolyPhen-2: "Benign". The threonine amino acid residue is found in multiple mammalian species, which suggests that this missense change does not adversely affect protein function. In summary, the available evidence is currently insufficient to determine the role of this variant in disease. Therefore, it has been classified as a Variant of Uncertain Significance.

NM_153460.4(IL17RC):c.166G>A (p.Ala56Thr)

Gene: IL17RC (interleukin 17 receptor C; plus strand). Cytogenetic location: 3p25.3.
Variant type: single nucleotide variant.
Coding change: c.166G>A on transcript NM_153460.4 (MANE Select); coding-DNA position 166, G replaced by A.
Protein change: p.Ala56Thr; replaces alanine 56 with threonine.
Molecular consequence: missense variant. On other transcripts: non-coding transcript variant (1).
Genome position (GRCh38, 1-based): chr3:9,917,961, G>A. VCF-style: chr3-9917961-G-A. GRCh37 (hg19) VCF-style: chr3-9959645-G-A.
Other names: c.166G>A, p.Ala56Thr (NM_001203263.2, NM_001203264.2, NM_001203265.2 and 5 more transcripts); c.379G>A, p.Ala127Thr (NM_153461.4); short protein forms A127T, A56T.
Identifiers: ClinVar variation 3605516 (VCV003605516.2).
Genomic context (GRCh38, chr3:9,917,961, plus strand): 5'-CCACCCGCTCCTCCACACACAGACAGTGACATACTCTGCCTGCCTGGGGACATCGTGCCT[G>A]CTCCGGGCCCCGTGCTGGCGCCTACGCACCTGCAGACAGAGCTGGTGCTGAGGTGCCAGA-3'
Protein context (NP_703190.2, residues 46-66): ILCLPGDIVP[Ala56Thr]PGPVLAPTHL